The following is an entry in ClinVar:

NM_005787.6(ALG3):c.477C>T (p.Cys159=)

Gene: ALG3 (ALG3 alpha-1,3- mannosyltransferase; minus strand). Cytogenetic location: 3q27.1.
Variant type: single nucleotide variant.
Coding change: c.477C>T on transcript NM_005787.6 (MANE Select); coding-DNA position 477, C replaced by T.
Protein change: p.Cys159=; no amino-acid change (cysteine 159 retained).
Molecular consequence: synonymous variant. On other transcripts: non-coding transcript variant (2).
Genome position (GRCh38, 1-based): chr3:184,245,326, G>A on the plus strand (C>T on the coding strand, the complement: ALG3 is on the minus strand). VCF-style: chr3-184245326-G-A. GRCh37 (hg19) VCF-style: chr3-183963114-G-A.
Other names: c.333C>T, p.Cys111= (NM_001006941.2).
Identifiers: ClinVar variation 344357 (VCV000344357.13), dbSNP rs201087932, ClinGen allele CA2729524.

ClinVar aggregate classification (germline): Benign/Likely benign. Review status: criteria provided, multiple submitters, no conflicts (2 of 4 stars). 2 submissions from 2 submitters: Benign (1); Likely benign (1). Last evaluated 2025-10-22.

Conditions:
ALG3-congenital disorder of glycosylation. Also called: CONGENITAL DISORDER OF GLYCOSYLATION, TYPE Id; CDG Id; CARBOHYDRATE-DEFICIENT GLYCOPROTEIN SYNDROME, TYPE IV; CDGS, TYPE IV; ALG3-CDG. Identifiers: Orphanet 79321, MedGen C1832736, MONDO:0010998, OMIM 601110.

Allele frequency attached by ClinVar (database versions not stated): ESP Exome Variant Server 0.00008; gnomAD 0.00008 and 0.00009; TOPMed 0.00011; gnomAD exomes 0.00012 and 0.00023; ExAC 0.00021.
gnomAD v4.1: 198 of 1,612,764 alleles (0.012%); highest among the groups gnomAD compares: East Asian, 0.06%; no homozygotes.

Submissions (2):

Labcorp Genetics (formerly Invitae), Labcorp
Classification: Benign for ALG3-congenital disorder of glycosylation. Last evaluated: 2025-10-22. Review status: criteria provided, single submitter. Criteria: Invitae Variant Classification Sherloc (09022015). Collection method: clinical testing. Allele origin: germline.

GeneDx
Classification: Likely benign. Last evaluated: 2018-03-30. Review status: criteria provided, single submitter. Criteria: GeneDx Variant Classification (06012015). Collection method: clinical testing. Allele origin: germline. Affected: yes.
Comment: This variant is considered likely benign or benign based on one or more of the following criteria: it is a conservative change, it occurs at a poorly conserved position in the protein, it is predicted to be benign by multiple in silico algorithms, and/or has population frequency not consistent with disease.